The following is an entry in ClinVar:

NM_001040142.2(SCN2A):c.5006T>G (p.Leu1669Arg)

Gene: SCN2A (sodium voltage-gated channel alpha subunit 2; plus strand). Cytogenetic location: 2q24.3.
Variant type: single nucleotide variant.
Coding change: c.5006T>G on transcript NM_001040142.2 (MANE Select); coding-DNA position 5006, T replaced by G.
Protein change: p.Leu1669Arg; replaces leucine 1669 with arginine.
Molecular consequence: missense variant.
Genome position (GRCh38, 1-based): chr2:165,388,812, T>G. VCF-style: chr2-165388812-T-G. GRCh37 (hg19) VCF-style: chr2-166245322-T-G.
Other names: c.5006T>G, p.Leu1669Arg (NM_001040143.2, NM_001371246.1, NM_001371247.1 and 1 more transcripts); short protein forms L1669R.
Identifiers: ClinVar variation 4991375 (VCV004991375.1).

ClinVar aggregate classification (germline): Uncertain significance (1 of 4 stars; one submission).

Conditions:
SCN2A-related disorder. Also called: SCN2A-related condition; SCN2A-related disorders. Identifiers: MedGen CN382226, MONDO:1060245.

Submission:

PreventionGenetics, part of Exact Sciences
Classification: Uncertain significance for SCN2A-related condition. Last evaluated: 2026-05-12. Review status: criteria provided, single submitter. Criteria: ACMG Guidelines, 2015. Collection method: clinical testing. Allele origin: germline.
Comment: The SCN2A c.5006T>G variant is predicted to result in the amino acid substitution p.Leu1669Arg. To our knowledge, this variant has not been reported in the literature or in a large population database (gnomAD), indicating this variant is rare. At this time, the clinical significance of this variant is uncertain due to the absence of conclusive functional and genetic evidence.